The following is an entry in ClinVar:

ClinVar aggregate classification (germline): Uncertain significance (1 of 4 stars; one submission).

Conditions:
ALG9 congenital disorder of glycosylation (CDG1L). Also called: CONGENITAL DISORDER OF GLYCOSYLATION, TYPE Il; ALG9-CDG; CDG Il. Identifiers: Orphanet 79328, MedGen C2931006, MONDO:0012117, OMIM 608776.

Submission:

Labcorp Genetics (formerly Invitae), Labcorp
Classification: Uncertain significance for ALG9 congenital disorder of glycosylation. Last evaluated: 2022-11-01. Review status: criteria provided, single submitter. Criteria: Invitae Variant Classification Sherloc (09022015). Collection method: clinical testing. Allele origin: germline.
Comment: This variant is not present in population databases (gnomAD no frequency). This variant has not been reported in the literature in individuals affected with ALG9-related conditions. Algorithms developed to predict the effect of sequence changes on RNA splicing suggest that this variant may disrupt the consensus splice site. In summary, the available evidence is currently insufficient to determine the role of this variant in disease. Therefore, it has been classified as a Variant of Uncertain Significance. This sequence change affects codon 404 of the ALG9 mRNA. It is a 'silent' change, meaning that it does not change the encoded amino acid sequence of the ALG9 protein.

NM_024740.2(ALG9):c.1212G>T (p.Val404=)

Gene: ALG9 (ALG9 alpha-1,2-mannosyltransferase; minus strand). Cytogenetic location: 11q23.1.
Variant type: single nucleotide variant.
Coding change: c.1212G>T on transcript NM_024740.2 (MANE Select); coding-DNA position 1212, G replaced by T.
Protein change: p.Val404=; no amino-acid change (valine 404 retained).
Molecular consequence: synonymous variant. On other transcripts: non-coding transcript variant (1).
Genome position (GRCh38, 1-based): chr11:111,838,361, C>A on the plus strand (G>T on the coding strand, the complement: ALG9 is on the minus strand). VCF-style: chr11-111838361-C-A. GRCh37 (hg19) VCF-style: chr11-111709084-C-A.
Other names: c.1191G>T, p.Val397= (NM_001077690.1, NM_001352417.1); c.699G>T, p.Val233= (NM_001077691.2, NM_001352413.1, NM_001352414.2 and 1 more transcripts); c.678G>T, p.Val226= (NM_001077692.2, NM_001352409.1, NM_001352410.1 and 6 more transcripts); c.1068G>T, p.Val356= (NM_001352418.1); c.603G>T, p.Val201= (NM_001352422.2); c.555G>T, p.Val185= (NM_001352423.2).
Identifiers: ClinVar variation 2138826 (VCV002138826.4), dbSNP rs2496966899, ClinGen allele CA476780702.
Genomic context (GRCh38, chr11:111,838,361, plus strand): 5'-AGTTCCTAATGCCAGCCAATTCGATGTCACAGTATAGTGCTCCAGGCGATATCGTTGAAA[C>A]ACAAAGTGGTAACATTTCTGGAAGTACAGAAAACTGTGCTGATAAAAGAAAATATAATTT-3'
Protein context (NP_079016.2, residues 394-414): FLYFQKCYHF[Val404=]FQRYRLEHYT